The following is an entry in ClinVar:

NM_001378778.1(MPDZ):c.409G>C (p.Val137Leu)

Gene: MPDZ (multiple PDZ domain crumbs cell polarity complex component; minus strand). Cytogenetic location: 9p23.
Variant type: single nucleotide variant.
Coding change: c.409G>C on transcript NM_001378778.1 (MANE Select); coding-DNA position 409, G replaced by C.
Protein change: p.Val137Leu; replaces valine 137 with leucine.
Molecular consequence: missense variant.
Genome position (GRCh38, 1-based): chr9:13,223,695, C>G on the plus strand (G>C on the coding strand, the complement: MPDZ is on the minus strand). VCF-style: chr9-13223695-C-G. GRCh37 (hg19) VCF-style: chr9-13223694-C-G.
Other names: c.409G>C, p.Val137Leu (NM_001261406.2, NM_001261407.2, NM_001330637.2 and 14 more transcripts); short protein forms V137L.
Identifiers: ClinVar variation 3629418 (VCV003629418.2).

ClinVar aggregate classification (germline): Uncertain significance (1 of 4 stars; one submission).

gnomAD v4.1: 9 of 1,605,342 alleles (0.00056%); highest among the groups gnomAD compares: African/African-American, 0.0013%; no homozygotes.

Submission:

Labcorp Genetics (formerly Invitae), Labcorp
Classification: Uncertain significance. Last evaluated: 2024-08-28. Review status: criteria provided, single submitter. Criteria: Invitae Variant Classification Sherloc (09022015). Collection method: clinical testing. Allele origin: germline.
Comment: This sequence change replaces valine, which is neutral and non-polar, with leucine, which is neutral and non-polar, at codon 137 of the MPDZ protein (p.Val137Leu). This variant is not present in population databases (gnomAD no frequency). This variant has not been reported in the literature in individuals affected with MPDZ-related conditions. An algorithm developed to predict the effect of missense changes on protein structure and function (PolyPhen-2) suggests that this variant is likely to be tolerated. In summary, the available evidence is currently insufficient to determine the role of this variant in disease. Therefore, it has been classified as a Variant of Uncertain Significance.